The following is an entry in ClinVar:

NM_017780.4(CHD7):c.521C>T (p.Pro174Leu)

Gene: CHD7 (chromodomain helicase DNA binding protein 7; plus strand). Cytogenetic location: 8q12.2.
Variant type: single nucleotide variant.
Coding change: c.521C>T on transcript NM_017780.4 (MANE Select); coding-DNA position 521, C replaced by T.
Protein change: p.Pro174Leu; replaces proline 174 with leucine.
Molecular consequence: missense variant.
Genome position (GRCh38, 1-based): chr8:60,741,953, C>T. VCF-style: chr8-60741953-C-T. GRCh37 (hg19) VCF-style: chr8-61654512-C-T.
Other names: c.521C>T, p.Pro174Leu (NM_001316690.1); short protein forms P174L.
Identifiers: ClinVar variation 855403 (VCV000855403.13), dbSNP rs767279224, ClinGen allele CA4759334.
Genomic context (GRCh38, chr8:60,741,953, plus strand): 5'-ACCAGATACGAGCCCCCTACCAGCAGCAGCAGCCACAGCCGCAGCCACCGCAGCCGGCTC[C>T]GTCGGGGCCCCCTGCACAGGGCCACCCTCAGCACATGCAGCAGATGGGCAGCTATATGGC-3'
Protein context (NP_060250.2, residues 164-184): QPQPQPPQPA[Pro174Leu]SGPPAQGHPQ

ClinVar aggregate classification (germline): Conflicting classifications of pathogenicity. Review status: criteria provided, conflicting classifications (1 of 4 stars). 4 submissions from 4 submitters: Uncertain significance (1); Benign (1); Likely benign (2). Last evaluated 2025-11-05.

Conditions:
CHD7-related disorder. Also called: CHD7-related condition.
CHARGE syndrome (CHARGE). Also called: CHARGE ASSOCIATION--COLOBOMA, HEART ANOMALY, CHOANAL ATRESIA, RETARDATION, GENITAL AND EAR ANOMALIES; Coloboma, heart anomaly, choanal atresia, retardation, genital and ear anomalies; CHARGE association; Hall-Hittner syndrome; Hittner Hirsch Kreh syndrome. Identifiers: Orphanet 138, MedGen C0265354, MONDO:0008965.

Allele frequency attached by ClinVar (database versions not stated): gnomAD exomes 0.00001 and 0.00004; ExAC 0.00003; gnomAD 0.00004; TOPMed 0.00009.
gnomAD v4.1: 57 of 1,613,658 alleles (0.0035%); highest among the groups gnomAD compares: African/African-American, 0.0067%; no homozygotes.

Submissions (4):

PreventionGenetics, part of Exact Sciences
Classification: Uncertain significance for CHD7-related condition. Last evaluated: 2025-11-05. Review status: criteria provided, single submitter. Criteria: ACMG Guidelines, 2015. Collection method: clinical testing. Allele origin: germline.
Comment: The CHD7 c.521C>T variant is predicted to result in the amino acid substitution p.Pro174Leu. To our knowledge, this variant has not been reported in the literature. This variant is reported in 0.0042% of alleles in individuals of African descent in gnomAD. At this time, the clinical significance of this variant is uncertain due to the absence of conclusive functional and genetic evidence.

Labcorp Genetics (formerly Invitae), Labcorp
Classification: Benign for CHARGE syndrome. Last evaluated: 2025-07-20. Review status: criteria provided, single submitter. Criteria: Invitae Variant Classification Sherloc (09022015). Collection method: clinical testing. Allele origin: germline.

Johns Hopkins Genomics, Johns Hopkins University
Classification: Likely benign for CHD7-related CHARGE syndrome. Last evaluated: 2022-11-21. Review status: criteria provided, single submitter. Criteria: ACMG Guidelines, 2015. Collection method: clinical testing. Allele origin: germline.

GeneDx
Classification: Likely benign. Last evaluated: 2021-04-22. Review status: criteria provided, single submitter. Criteria: GeneDx Variant Classification Process June 2021. Collection method: clinical testing. Allele origin: germline. Affected: yes.

Literature cited by the submitters: PubMed 16155193 (cited by Johns Hopkins Genomics, Johns Hopkins University); PubMed 16400610 (cited by Johns Hopkins Genomics, Johns Hopkins University); PubMed 20301296 (cited by Johns Hopkins Genomics, Johns Hopkins University); PubMed 32851286 (cited by Johns Hopkins Genomics, Johns Hopkins University).